The following is an entry in ClinVar:

NM_006514.4(SCN10A):c.1286A>G (p.Gln429Arg)

Gene: SCN10A (sodium voltage-gated channel alpha subunit 10; minus strand). Cytogenetic location: 3p22.2.
Variant type: single nucleotide variant.
Coding change: c.1286A>G on transcript NM_006514.4 (MANE Select); coding-DNA position 1286, A replaced by G.
Protein change: p.Gln429Arg; replaces glutamine 429 with arginine.
Molecular consequence: missense variant.
Genome position (GRCh38, 1-based): chr3:38,756,678, T>C on the plus strand (A>G on the coding strand, the complement: SCN10A is on the minus strand). VCF-style: chr3-38756678-T-C. GRCh37 (hg19) VCF-style: chr3-38798169-T-C.
Other names: c.1286A>G, p.Gln429Arg (NM_001293306.2, NM_001293307.2); c.1286A>G (NM_006514.3); short protein forms Q429R.
Identifiers: ClinVar variation 1427873 (VCV001427873.11), dbSNP rs1331566750, ClinGen allele CA352169175.
Genomic context (GRCh38, chr3:38,756,678, plus strand): 5'-TATCCAAGAATGGACAGTCTGCAACCTTCTTCACAAAGCTTCCACTCCTCACAAACCTCC[T>C]GCTCCTTCCGGAGCATCTCGAGGGCCTCCTGGAACTTCTTCTCCTTTGCTTCAATTTCAT-3'
Protein context (NP_006505.4, residues 419-439): QEALEMLRKE[Gln429Arg]EVLAALGIDT

ClinVar aggregate classification (germline): Uncertain significance. Review status: criteria provided, multiple submitters, no conflicts (2 of 4 stars). 3 submissions from 3 submitters: Uncertain significance (3). Last evaluated 2026-05-19.

Conditions:
Cardiovascular phenotype. Identifiers: MedGen CN230736.
Brugada syndrome. Also called: Sudden unexplained nocturnal death syndrome; Sudden Unexplained Death Syndrome; Sudden Unexplained Nocturnal Death Syndrome (SUNDS); Sudden unexpected nocturnal death syndrome. Identifiers: Orphanet 130, MedGen C1142166, MONDO:0015263.
SCN10A-related disorder. Also called: SCN10A-related condition.

Allele frequency attached by ClinVar (database versions not stated): gnomAD exomes 0.00001 and 0.00002; gnomAD 0.00002; TOPMed 0.00002.
gnomAD v4.1: 36 of 1,613,166 alleles (0.0022%); highest among the groups gnomAD compares: Non-Finnish European, 0.0029%; no homozygotes.

Submissions (3):

PreventionGenetics, part of Exact Sciences
Classification: Uncertain significance for SCN10A-related condition. Last evaluated: 2026-05-19. Review status: criteria provided, single submitter. Criteria: ACMG Guidelines, 2015. Collection method: clinical testing. Allele origin: germline.
Comment: The SCN10A c.1286A>G variant is predicted to result in the amino acid substitution p.Gln429Arg. To our knowledge, this variant has not been reported in the literature. This variant is reported in 0.00088% of alleles in individuals of European (Non-Finnish) descent in gnomAD. At this time, the clinical significance of this variant is uncertain due to the absence of conclusive functional and genetic evidence.

Labcorp Genetics (formerly Invitae), Labcorp
Classification: Uncertain significance for Brugada syndrome. Last evaluated: 2025-10-05. Review status: criteria provided, single submitter. Criteria: Invitae Variant Classification Sherloc (09022015). Collection method: clinical testing. Allele origin: germline.
Comment: This sequence change replaces glutamine, which is neutral and polar, with arginine, which is basic and polar, at codon 429 of the SCN10A protein (p.Gln429Arg). The frequency data for this variant in the population databases is considered unreliable, as metrics indicate poor data quality at this position in the gnomAD database. This variant has not been reported in the literature in individuals affected with SCN10A-related conditions. ClinVar contains an entry for this variant (Variation ID: 1427873). Invitae Evidence Modeling of protein sequence and biophysical properties (such as structural, functional, and spatial information, amino acid conservation, physicochemical variation, residue mobility, and thermodynamic stability) indicates that this missense variant is not expected to disrupt SCN10A protein function with a negative predictive value of 80%. In summary, the available evidence is currently insufficient to determine the role of this variant in disease. Therefore, it has been classified as a Variant of Uncertain Significance.

Ambry Genetics
Classification: Uncertain significance for Cardiovascular phenotype. Last evaluated: 2024-09-02. Review status: criteria provided, single submitter. Criteria: Ambry Variant Classification Scheme 2023. Collection method: clinical testing. Allele origin: germline.